The following is an entry in ClinVar:

NM_203447.4(DOCK8):c.298T>C (p.Cys100Arg)

Genes: DOCK8 (dedicator of cytokinesis 8; plus strand), LOC126860552 (BRD4-independent group 4 enhancer GRCh37_chr9:285795-286994; plus strand). Cytogenetic location: 9p24.3.
Variant type: single nucleotide variant.
Coding change: c.298T>C on transcript NM_203447.4 (MANE Select); coding-DNA position 298, T replaced by C.
Protein change: p.Cys100Arg; replaces cysteine 100 with arginine.
Molecular consequence: missense variant.
Genome position (GRCh38, 1-based): chr9:286,602, T>C. VCF-style: chr9-286602-T-C. GRCh37 (hg19) VCF-style: chr9-286602-T-C.
Other names: c.94T>C, p.Cys32Arg (NM_001190458.2, NM_001193536.2); short protein forms C100R, C32R.
Identifiers: ClinVar variation 1928084 (VCV001928084.5), dbSNP rs753564662, ClinGen allele CA4957156.

ClinVar aggregate classification (germline): Uncertain significance (1 of 4 stars; one submission).

Conditions:
Combined immunodeficiency due to DOCK8 deficiency (HIES2). Also called: HIES autosomal recessive; DOCK8 Deficiency; HYPER-IgE RECURRENT INFECTION SYNDROME 2, AUTOSOMAL RECESSIVE; HYPER-IgE SYNDROME 2, AUTOSOMAL RECESSIVE, WITH RECURRENT INFECTIONS; Hyper-IgE recurrent infection syndrome, autosomal recessive. Identifiers: Orphanet 217390, MedGen C4722305, MONDO:0009478, OMIM 243700.

Allele frequency attached by ClinVar (database versions not stated): TOPMed below 0.00001; ExAC 0.00001; gnomAD 0.00001; gnomAD exomes 0.00001.
gnomAD v4.1: 6 of 1,613,876 alleles (0.00037%); highest among the groups gnomAD compares: Admixed American, 0.0033%; no homozygotes.

Submission:

Labcorp Genetics (formerly Invitae), Labcorp
Classification: Uncertain significance for Combined immunodeficiency due to DOCK8 deficiency. Last evaluated: 2026-01-08. Review status: criteria provided, single submitter. Criteria: Invitae Variant Classification Sherloc (09022015). Collection method: clinical testing. Allele origin: germline.
Comment: This sequence change replaces cysteine, which is neutral and slightly polar, with arginine, which is basic and polar, at codon 100 of the DOCK8 protein (p.Cys100Arg). This variant is present in population databases (rs753564662, gnomAD 0.0009%). This variant has not been reported in the literature in individuals affected with DOCK8-related conditions. ClinVar contains an entry for this variant (Variation ID: 1928084). Invitae Evidence Modeling of protein sequence and biophysical properties (such as structural, functional, and spatial information, amino acid conservation, physicochemical variation, residue mobility, and thermodynamic stability) indicates that this missense variant is not expected to disrupt DOCK8 protein function with a negative predictive value of 80%. In summary, the available evidence is currently insufficient to determine the role of this variant in disease. Therefore, it has been classified as a Variant of Uncertain Significance.